The following is an entry in ClinVar:

NM_022463.5(NXN):c.455T>C (p.Leu152Pro)

Gene: NXN (nucleoredoxin; minus strand). Cytogenetic location: 17p13.3.
Variant type: single nucleotide variant.
Coding change: c.455T>C on transcript NM_022463.5 (MANE Select); coding-DNA position 455, T replaced by C.
Protein change: p.Leu152Pro; replaces leucine 152 with proline.
Molecular consequence: missense variant.
Genome position (GRCh38, 1-based): chr17:825,984, A>G on the plus strand (T>C on the coding strand, the complement: NXN is on the minus strand). VCF-style: chr17-825984-A-G. GRCh37 (hg19) VCF-style: chr17-729224-A-G.
Other names: c.131T>C, p.Leu44Pro (NM_001205319.1); short protein forms L152P, L44P.
Identifiers: ClinVar variation 2064883 (VCV002064883.4), dbSNP rs2544740203, ClinGen allele CA397493536.

ClinVar aggregate classification (germline): Uncertain significance (1 of 4 stars; one submission).

Submission:

Labcorp Genetics (formerly Invitae), Labcorp
Classification: Uncertain significance. Last evaluated: 2021-12-29. Review status: criteria provided, single submitter. Criteria: Invitae Variant Classification Sherloc (09022015). Collection method: clinical testing. Allele origin: germline.
Comment: In summary, the available evidence is currently insufficient to determine the role of this variant in disease. Therefore, it has been classified as a Variant of Uncertain Significance. Algorithms developed to predict the effect of missense changes on protein structure and function are either unavailable or do not agree on the potential impact of this missense change (SIFT: "Deleterious"; PolyPhen-2: "Probably Damaging"; Align-GVGD: "Class C0"). This variant has not been reported in the literature in individuals affected with NXN-related conditions. This variant is not present in population databases (gnomAD no frequency). This sequence change replaces leucine, which is neutral and non-polar, with proline, which is neutral and non-polar, at codon 152 of the NXN protein (p.Leu152Pro).